The following is an entry in ClinVar:

ClinVar aggregate classification (germline): Likely pathogenic (1 of 4 stars; one submission).

Conditions:
Maple syrup urine disease (MSUD). Identifiers: Orphanet 511, MedGen C0024776, MeSH D008375, MONDO:0009563. Disease mechanism: loss of function.

Submission:

Labcorp Genetics (formerly Invitae), Labcorp
Classification: Likely pathogenic for Maple syrup urine disease. Last evaluated: 2025-10-27. Review status: criteria provided, single submitter. Criteria: Invitae Variant Classification Sherloc (09022015). Collection method: clinical testing. Allele origin: germline.
Comment: This sequence change affects an acceptor splice site in intron 7 of the BCKDHB gene. It is expected to disrupt RNA splicing. Variants that disrupt the donor or acceptor splice site typically lead to a loss of protein function (PMID: 16199547), and loss-of-function variants in BCKDHB are known to be pathogenic (PMID: 16786533, 22593002). This variant is not present in population databases (gnomAD no frequency). This variant has not been reported in the literature in individuals affected with BCKDHB-related conditions. ClinVar contains an entry for this variant (Variation ID: 2812955). Algorithms developed to predict the effect of sequence changes on RNA splicing suggest that this variant may disrupt the consensus splice site. In summary, the currently available evidence indicates that the variant is pathogenic, but additional data are needed to prove that conclusively. Therefore, this variant has been classified as Likely Pathogenic.

Literature cited by the submitters: PubMed 16199547; PubMed 16786533; PubMed 22593002.

NM_183050.4(BCKDHB):c.841-2A>G

Gene: BCKDHB (branched chain keto acid dehydrogenase E1 subunit beta; plus strand). Cytogenetic location: 6q14.1.
Variant type: single nucleotide variant.
Coding change: c.841-2A>G on transcript NM_183050.4 (MANE Select); the canonical splice acceptor site of the intron before coding-DNA position 841, A replaced by G.
Molecular consequence: splice acceptor variant.
Genome position (GRCh38, 1-based): chr6:80,203,100, A>G. VCF-style: chr6-80203100-A-G. GRCh37 (hg19) VCF-style: chr6-80912817-A-G.
Other names: c.631-2A>G (NM_001318975.1, NM_001424043.1); c.841-2A>G (NM_001424037.1, NM_001424036.1, NM_001424035.1 and 7 more transcripts).
Identifiers: ClinVar variation 2812955 (VCV002812955.3), dbSNP rs2482267558, ClinGen allele CA364660091.